The following is an entry in ClinVar:

ClinVar aggregate classification (germline): Uncertain significance. Review status: criteria provided, multiple submitters, no conflicts (2 of 4 stars). 2 submissions from 2 submitters: Uncertain significance (2). Last evaluated 2025-02-07.

Conditions:
Cardiovascular phenotype. Identifiers: MedGen CN230736.
Hereditary cancer-predisposing syndrome. Also called: Tumor predisposition; Hereditary Cancer Syndrome; Hereditary neoplastic syndrome; Neoplastic Syndromes, Hereditary. Identifiers: Orphanet 140162, MedGen C0027672, MeSH D009386, MONDO:0015356.

gnomAD v4.1: 3 of 1,613,596 alleles (0.00019%); highest among the groups gnomAD compares: Non-Finnish European, 0.00025%; no homozygotes.

Submissions (2):

Ambry Genetics
Classification: Uncertain significance for Cardiovascular phenotype; Hereditary cancer-predisposing syndrome. Last evaluated: 2025-02-07. Review status: criteria provided, single submitter. Criteria: Ambry Variant Classification Scheme 2023. Collection method: clinical testing. Allele origin: germline.
Comment: The p.C667G variant (also known as c.1999T>G), located in coding exon 17 of the LZTR1 gene, results from a T to G substitution at nucleotide position 1999. The cysteine at codon 667 is replaced by glycine, an amino acid with highly dissimilar properties. This amino acid position is conserved. In addition, this alteration is predicted to be deleterious by in silico analysis. Based on the available evidence, the clinical significance of this variant remains unclear.

Labcorp Genetics (formerly Invitae), Labcorp
Classification: Uncertain significance. Last evaluated: 2024-10-16. Review status: criteria provided, single submitter. Criteria: Invitae Variant Classification Sherloc (09022015). Collection method: clinical testing. Allele origin: germline.
Comment: This sequence change replaces cysteine, which is neutral and slightly polar, with glycine, which is neutral and non-polar, at codon 667 of the LZTR1 protein (p.Cys667Gly). This variant is not present in population databases (gnomAD no frequency). This variant has not been reported in the literature in individuals affected with LZTR1-related conditions. Invitae Evidence Modeling of protein sequence and biophysical properties (such as structural, functional, and spatial information, amino acid conservation, physicochemical variation, residue mobility, and thermodynamic stability) indicates that this missense variant is not expected to disrupt LZTR1 protein function with a negative predictive value of 80%. In summary, the available evidence is currently insufficient to determine the role of this variant in disease. Therefore, it has been classified as a Variant of Uncertain Significance.

NM_006767.4(LZTR1):c.1999T>G (p.Cys667Gly)

Gene: LZTR1 (leucine zipper like post translational regulator 1; plus strand). Cytogenetic location: 22q11.21.
Variant type: single nucleotide variant.
Coding change: c.1999T>G on transcript NM_006767.4 (MANE Select); coding-DNA position 1999, T replaced by G.
Protein change: p.Cys667Gly; replaces cysteine 667 with glycine.
Molecular consequence: missense variant.
Genome position (GRCh38, 1-based): chr22:20,995,802, T>G. VCF-style: chr22-20995802-T-G. GRCh37 (hg19) VCF-style: chr22-21350091-T-G.
Other names: c.1999T>G (NM_006767.3); short protein forms C667G.
Identifiers: ClinVar variation 3730530 (VCV003730530.3).